The following is an entry in ClinVar:

ClinVar aggregate classification (germline): Uncertain significance. Review status: criteria provided, multiple submitters, no conflicts (2 of 4 stars). 2 submissions from 2 submitters: Uncertain significance (2). Last evaluated 2026-07-06.

Conditions:
Hereditary cancer-predisposing syndrome. Also called: Tumor predisposition; Hereditary neoplastic syndrome; Neoplastic Syndromes, Hereditary; Hereditary Cancer Syndrome. Identifiers: Orphanet 140162, MedGen C0027672, MeSH D009386, MONDO:0015356.

gnomAD v4.1: 1 of 1,613,178 alleles (0.000062%); highest among the groups gnomAD compares: South Asian, 0.0011%; no homozygotes.

Submissions (2):

Ambry Genetics
Classification: Uncertain significance for Hereditary cancer-predisposing syndrome. Last evaluated: 2026-07-06. Review status: criteria provided, single submitter. Criteria: Ambry Variant Classification Scheme 2023. Collection method: clinical testing. Allele origin: germline.
Comment: The p.K39N variant (also known as c.117G>C), located in coding exon 2 of the BRIP1 gene, results from a G to C substitution at nucleotide position 117. The lysine at codon 39 is replaced by asparagine, an amino acid with similar properties. This amino acid position is conserved. In addition, this alteration is predicted to be tolerated by in silico analysis. Based on the available evidence, the clinical significance of this variant remains unclear.

Sema4
Classification: Uncertain significance for Hereditary cancer-predisposing syndrome. Last evaluated: 2021-09-11. Review status: criteria provided, single submitter. Criteria: Sema4 Curation Guidelines. Collection method: curation. Allele origin: germline.
Comment: The BRIP1 c.117G>C (p.K39N) variant has not been reported in the literature to our knowledge. It was not observed in the large and broad cohorts of the Genome Aggregation Database, and has not been reported in ClinVar. In silico tools suggest the impact of the variant on protein function is benign, though these predictions have not been confirmed by functional studies. The evidence is insufficient to meet ACMG/AMP criteria for classifying the variant as benign or pathogenic. Thus, the clinical significance of this variant is currently uncertain.

NM_032043.3(BRIP1):c.117G>C (p.Lys39Asn)

Gene: BRIP1 (BRCA1 interacting DNA helicase 1; minus strand). Cytogenetic location: 17q23.2.
Variant type: single nucleotide variant.
Coding change: c.117G>C on transcript NM_032043.3 (MANE Select); coding-DNA position 117, G replaced by C.
Protein change: p.Lys39Asn; replaces lysine 39 with asparagine.
Molecular consequence: missense variant.
Genome position (GRCh38, 1-based): chr17:61,859,884, C>G on the plus strand (G>C on the coding strand, the complement: BRIP1 is on the minus strand). VCF-style: chr17-61859884-C-G. GRCh37 (hg19) VCF-style: chr17-59937245-C-G.
Other names: short protein forms K39N.
Identifiers: ClinVar variation 1691976 (VCV001691976.2), dbSNP rs2145852394, ClinGen allele CA400485837.